The following is an entry in ClinVar:

NM_000321.3(RB1):c.1161G>T (p.Met387Ile)

Gene: RB1 (RB transcriptional corepressor 1; plus strand). Cytogenetic location: 13q14.2.
Variant type: single nucleotide variant.
Coding change: c.1161G>T on transcript NM_000321.3 (MANE Select); coding-DNA position 1161, G replaced by T.
Protein change: p.Met387Ile; replaces methionine 387 with isoleucine.
Molecular consequence: missense variant.
Genome position (GRCh38, 1-based): chr13:48,373,438, G>T. VCF-style: chr13-48373438-G-T. GRCh37 (hg19) VCF-style: chr13-48947574-G-T.
Other names: c.1161G>T, p.Met387Ile (NM_001407165.1, NM_001407166.1); short protein forms M387I.
Identifiers: ClinVar variation 3075643 (VCV003075643.2), dbSNP rs2138131091, ClinGen allele CA388161504.

ClinVar aggregate classification (germline): Uncertain significance. Review status: criteria provided, multiple submitters, no conflicts (2 of 4 stars). 2 submissions from 2 submitters: Uncertain significance (2). Last evaluated 2025-04-23.

Conditions:
Hereditary cancer-predisposing syndrome. Also called: Neoplastic Syndromes, Hereditary; Tumor predisposition; Hereditary neoplastic syndrome; Hereditary Cancer Syndrome. Identifiers: Orphanet 140162, MedGen C0027672, MeSH D009386, MONDO:0015356.
Retinoblastoma (RB1). Also called: RETINOBLASTOMA, SOMATIC. Identifiers: Orphanet 790, MedGen C0035335, MeSH D012175, MONDO:0008380, OMIM 180200, HP:0009919. Disease mechanism: loss of function. Inheritance: Both sporadic and heritable forms are tested..

Submissions (2):

Ambry Genetics
Classification: Uncertain significance for Hereditary cancer-predisposing syndrome. Last evaluated: 2025-04-23. Review status: criteria provided, single submitter. Criteria: Ambry Variant Classification Scheme 2023. Collection method: clinical testing. Allele origin: germline.
Comment: The p.M387I variant (also known as c.1161G>T), located in coding exon 12 of the RB1 gene, results from a G to T substitution at nucleotide position 1161. The methionine at codon 387 is replaced by isoleucine, an amino acid with highly similar properties. This amino acid position is well conserved in available vertebrate species. In addition, this alteration is predicted to be tolerated by in silico analysis. Based on the available evidence, the clinical significance of this variant remains unclear.

All of Us Research Program, National Institutes of Health
Classification: Uncertain significance for Retinoblastoma. Last evaluated: 2023-05-04. Review status: criteria provided, single submitter. Criteria: ACMG Guidelines, 2015. Collection method: clinical testing. Allele origin: germline. Inheritance: Autosomal dominant inheritance. Observed: 1 variant allele, 1 heterozygote.
Comment: This missense variant replaces methionine with isoleucine at codon 387 of the RB1 protein. Computational prediction suggests that this variant may not impact protein structure and function (internally defined REVEL score threshold <= 0.5, PMID: 27666373). To our knowledge, functional studies have not been reported for this variant. This variant has not been reported in individuals affected with RB1-related disorders in the literature. This variant has not been identified in the general population by the Genome Aggregation Database (gnomAD). The available evidence is insufficient to determine the role of this variant in disease conclusively. Therefore, this variant is classified as a Variant of Uncertain Significance.

This study involves interpretation of variants in research participants for the purpose of population health screening. Participant phenotype was not available at the time of variant classification. Additional details can be found in publication PMID: 35346344, PMCID: PMC8962531